The following is an entry in ClinVar:

ClinVar aggregate classification (germline): Pathogenic (1 of 4 stars; one submission).

Conditions:
Familial intrahepatic cholestasis. Identifiers: Orphanet 284385, MedGen CN296401, MONDO:0017290.

Submission:

Genomenon, Inc
Classification: Pathogenic for Familial intrahepatic cholestasis. Last evaluated: 2026-04-14. Review status: criteria provided, single submitter. Criteria: Genomenon Sequence Variant Interpretation Standards - Updated. Collection method: curation. Allele origin: germline. Affected: yes.
Comment: ABCB11 p.Gln101AspfsTer9 (c.301_302del) is a frameshift variant that results in the production of a truncated protein which is predicted to undergo nonsense-mediated mRNA decay. This variant has been observed in at least one proband with an ABCB11-related disorder (PMID:20232290). It is absent or not present at a significant frequency in gnomAD. In conclusion, we classify ABCB11 p.Gln101AspfsTer9 (c.301_302del) as a pathogenic variant.

Literature cited by the submitters: PubMed 20232290.

NM_003742.4(ABCB11):c.301_302del (p.Gln101fs)

Gene: ABCB11 (ATP binding cassette subfamily B member 11; minus strand). Cytogenetic location: 2q31.1.
Variant type: Deletion.
Coding change: c.301_302del on transcript NM_003742.4 (MANE Select); coding-DNA positions 301 to 302, 2 bases deleted (CA; older notation c.301_302delCA).
Protein change: p.Gln101fs; shifts the reading frame from glutamine 101.
Molecular consequence: frameshift variant.
Genome position (GRCh38, 1-based): chr2:169,013,359-169,013,360, TG deleted on the plus strand (CA on the coding strand, the reverse complement: ABCB11 is on the minus strand). VCF-style (leftmost placement, unchanged base first): chr2-169013358-CTG-C. GRCh37 (hg19) VCF-style: chr2-169869868-CTG-C.
Other names: short protein forms Q101fs.
Identifiers: ClinVar variation 4846119 (VCV004846119.1).